The following is an entry in ClinVar:

ClinVar aggregate classification (germline): Likely benign (1 of 4 stars; one submission).

Conditions:
Hirschsprung disease, susceptibility to, 4. Identifiers: Orphanet 388, MedGen C3150975, MONDO:0013384, OMIM 613712.

Allele frequency attached by ClinVar (database versions not stated): gnomAD below 0.00001 and 0.00011; TOPMed 0.00003; 1000 Genomes Project 0.00120; 1000 Genomes Project 30x 0.00125.

Submission:

Illumina Laboratory Services, Illumina
Classification: Likely benign for Hirschsprung disease, susceptibility to, 4. Last evaluated: 2018-01-13. Review status: criteria provided, single submitter. Criteria: ICSL Variant Classification Criteria 13 December 2019. Collection method: clinical testing. Allele origin: germline.
Comment: This variant was observed in the ICSL laboratory as part of a predisposition screen in an ostensibly healthy population. It had not been previously curated by ICSL or reported in the Human Gene Mutation Database (HGMD: prior to June 1st, 2018), and was therefore a candidate for classification through an automated scoring system. Utilizing variant allele frequency, disease prevalence and penetrance estimates, and inheritance mode, an automated score was calculated to assess if this variant is too frequent to cause the disease. Based on the score and internal cut-off values, a variant classified as likely benign is not then subjected to further curation. The score for this variant resulted in a classification of likely benign for this disease.

NM_207034.3(EDN3):c.*1293T>C

Gene: EDN3 (endothelin 3; plus strand). Cytogenetic location: 20q13.32.
Variant type: single nucleotide variant.
Coding change: c.*1293T>C on transcript NM_207034.3 (MANE Select); 1293 bases downstream of the stop codon, T replaced by C.
Molecular consequence: 3 prime UTR variant.
Genome position (GRCh38, 1-based): chr20:59,325,752, T>C. VCF-style: chr20-59325752-T-C. GRCh37 (hg19) VCF-style: chr20-57900807-T-C.
Other names: c.*1417T>C (NM_001302455.2); c.*1385T>C (NM_001302456.2, NM_207032.3); c.*1293T>C (NM_207033.3).
Identifiers: ClinVar variation 339161 (VCV000339161.5), dbSNP rs536369470, ClinGen allele CA10653321.